The following is an entry in ClinVar:

NM_001142800.2(EYS):c.2886C>G (p.Phe962Leu)

Gene: EYS (EGF-like photoreceptor maintenance factor; minus strand). Cytogenetic location: 6q12.
Variant type: single nucleotide variant.
Coding change: c.2886C>G on transcript NM_001142800.2 (MANE Select); coding-DNA position 2886, C replaced by G.
Protein change: p.Phe962Leu; replaces phenylalanine 962 with leucine.
Molecular consequence: missense variant.
Genome position (GRCh38, 1-based): chr6:64,886,803, G>C on the plus strand (C>G on the coding strand, the complement: EYS is on the minus strand). VCF-style: chr6-64886803-G-C. GRCh37 (hg19) VCF-style: chr6-65596696-G-C.
Other names: c.2886C>G, p.Phe962Leu (NM_001292009.2); short protein forms F962L.
Identifiers: ClinVar variation 554347 (VCV000554347.12), dbSNP rs766153322, ClinGen allele CA3877239.

ClinVar aggregate classification (germline): Conflicting classifications of pathogenicity. Review status: criteria provided, conflicting classifications (1 of 4 stars). 6 submissions from 6 submitters: Pathogenic (1); Uncertain significance (4). 1 of the submissions does not count toward it. Last evaluated 2026-01-19.

Conditions:
Retinal dystrophy. Also called: Inherited retinal dystrophy. Identifiers: Orphanet 71862, MedGen C0854723, MeSH D058499, MONDO:0019118, HP:0000556.
Retinitis pigmentosa 25 (RP25). Identifiers: Orphanet 791, MedGen C1864446, MONDO:0011272, OMIM 602772.

Allele frequency attached by ClinVar (database versions not stated): gnomAD 0.00003; TOPMed 0.00007; ExAC 0.00009; 1000 Genomes Project 30x 0.00016.
gnomAD v4.1: 24 of 1,546,398 alleles (0.0016%); highest among the groups gnomAD compares: East Asian, 0.047%; no homozygotes.

Submissions (6):

Women's Health and Genetics/Laboratory Corporation of America, LabCorp
Classification: Uncertain significance. Last evaluated: 2026-01-19. Review status: criteria provided, single submitter. Criteria: LabCorp Variant Classification Summary - May 2015. Collection method: clinical testing. Allele origin: germline.
Comment: Variant summary: EYS c.2886C>G (p.Phe962Leu) results in a non-conservative amino acid change located in the EGF-like domain (IPR000742) of the encoded protein sequence. Algorithms developed to predict the effect of missense changes on protein structure and function are either unavailable or do not agree on the potential impact of this missense change. c.2886C>G has been observed as co-occurring with EYS c.2892A>C (p.Glu964Asp) in all instances ascertained among individuals affected with features of Leber congenital amaurosis (LCA) (example, Eisenberger_2013) or Retinitis Pigmentosa (example, Koyanagi_2019, Numa_2020, Gao_2022). In at-least two of these ascertainments, this variant combination also occurred along with a third EYS allele, again without phase specifications, among individuals affected with Retinitis Pigmentosa (n=2, c.8868delT (p.Ala2957fs), Koyanagi_2019 and n=1, c.2582G>A (p.Gly843Asp), Numa_2020). Furthermore, this variant combination also occurred without phase specifications, and therefore as a non-informative genotype alongside a majority concordant benign/likely benign EYS variant c.5510G>C (p.Trp1837Ser) in an individual with LCA (Eisenberger_2013). These reports do not provide unequivocal conclusions about association of the variant with Retinitis Pigmentosa. Both these variant alleles are found at a frequency of 5.2e-05 in 153916 and 154094 control chromosomes respectively in gnomAD (v2) database, further supporting a co-occuring haplotype. To our knowledge, no experimental evidence demonstrating an impact on protein function has been reported. The following publications have been ascertained in the context of this evaluation (PMID: 24265693, 34689181, 31213501, 33247286). ClinVar contains an entry for this variant (Variation ID: 554347). Based on the evidence outlined above, the variant was classified as uncertain significance.

Myriad Genetics, Inc.
Classification: Uncertain significance for Retinitis pigmentosa 25. Last evaluated: 2025-12-15. Review status: criteria provided, single submitter. Criteria: Myriad Autosomal Dominant, Autosomal Recessive and X-Linked Classification Criteria (2023). Collection method: clinical testing. Allele origin: unknown.
Comment: NM_001142800.1(EYS):c.2886C>G(F962L) is a missense variant classified as a variant of uncertain significance in the context of retinitis pigmentosa, EYS-related. F962L has been observed in cases with relevant disease (PMID: 24265693, 33247286, 35924323, 38499336). Relevant functional assessments of this variant are not available in the literature. F962L has been observed in referenced population frequency databases. In summary, there is insufficient evidence to classify NM_001142800.1(EYS):c.2886C>G(F962L) as pathogenic or benign. Please note: this variant was assessed in the context of healthy population screening.

Blueprint Genetics
Classification: Uncertain significance. Last evaluated: 2024-11-08. Review status: criteria provided, single submitter. Criteria: ACMG Guidelines, 2015. Collection method: clinical testing. Allele origin: germline.

Dept Of Ophthalmology, Nagoya University
Classification: Pathogenic for Retinal dystrophy. Last evaluated: 2023-10-01. Review status: criteria provided, single submitter. Criteria: Submitter's publication. Collection method: research. Allele origin: germline. Affected: yes.

Labcorp Genetics (formerly Invitae), Labcorp
Classification: Uncertain significance. Last evaluated: 2022-10-17. Review status: criteria provided, single submitter. Criteria: Invitae Variant Classification Sherloc (09022015). Collection method: clinical testing. Allele origin: germline.
Comment: This sequence change replaces phenylalanine, which is neutral and non-polar, with leucine, which is neutral and non-polar, at codon 962 of the EYS protein (p.Phe962Leu). This variant is present in population databases (rs766153322, gnomAD 0.06%). This missense change has been observed in individual(s) with EYS-related conditions (PMID: 24265693, 33247286). ClinVar contains an entry for this variant (Variation ID: 554347). Algorithms developed to predict the effect of missense changes on protein structure and function output the following: SIFT: "Tolerated"; PolyPhen-2: "Benign"; Align-GVGD: "Class C0". The leucine amino acid residue is found in multiple mammalian species, which suggests that this missense change does not adversely affect protein function. In summary, the available evidence is currently insufficient to determine the role of this variant in disease. Therefore, it has been classified as a Variant of Uncertain Significance.

Counsyl
Classification: Uncertain significance for Retinitis pigmentosa 25. Last evaluated: 2017-10-16. Review status: no assertion criteria provided. Collection method: clinical testing. Allele origin: unknown. Not counted in ClinVar's aggregate classification.

Literature cited by the submitters: PubMed 24265693 (cited by 4 submitters); PubMed 31213501 (cited by Women's Health and Genetics/Laboratory Corporation of America, LabCorp); PubMed 33247286 (cited by 3 submitters); PubMed 34689181 (cited by Women's Health and Genetics/Laboratory Corporation of America, LabCorp); PubMed 35924323 (cited by Myriad Genetics, Inc.); PubMed 38499336 (cited by Myriad Genetics, Inc.).